The following is an entry in ClinVar:

ClinVar aggregate classification (germline): Uncertain significance (1 of 4 stars; one submission).

Submission:

Ambry Genetics
Classification: Uncertain significance. Last evaluated: 2024-06-22. Review status: criteria provided, single submitter. Criteria: Ambry Variant Classification Scheme 2023. Collection method: clinical testing. Allele origin: germline.
Comment: The p.Q1043P variant (also known as c.3128A>C), located in coding exon 27 of the PRKDC gene, results from an A to C substitution at nucleotide position 3128. The glutamine at codon 1043 is replaced by proline, an amino acid with similar properties. This amino acid position is conserved. In addition, the in silico prediction for this alteration is inconclusive. Based on the available evidence, the clinical significance of this variant remains unclear.

NM_006904.7(PRKDC):c.3128A>C (p.Gln1043Pro)

Gene: PRKDC (protein kinase, DNA-activated, catalytic subunit; minus strand). Cytogenetic location: 8q11.21.
Variant type: single nucleotide variant.
Coding change: c.3128A>C on transcript NM_006904.7 (MANE Select); coding-DNA position 3128, A replaced by C.
Protein change: p.Gln1043Pro; replaces glutamine 1043 with proline.
Molecular consequence: missense variant.
Genome position (GRCh38, 1-based): chr8:47,902,710, T>G on the plus strand (A>C on the coding strand, the complement: PRKDC is on the minus strand). VCF-style: chr8-47902710-T-G. GRCh37 (hg19) VCF-style: chr8-48815270-T-G.
Other names: c.3128A>C, p.Gln1043Pro (NM_001081640.2); short protein forms Q1043P.
Identifiers: ClinVar variation 3310191 (VCV003310191.1).